The following is an entry in ClinVar:

NM_152564.5(VPS13B):c.2515+16531G>T

Gene: VPS13B (vacuolar protein sorting 13 homolog B; plus strand). Cytogenetic location: 8q22.2.
Variant type: single nucleotide variant.
Coding change: c.2515+16531G>T on transcript NM_152564.5 (MANE Select); 16531 bases into the intron after coding-DNA position 2515, G replaced by T.
Molecular consequence: intron variant.
Genome position (GRCh38, 1-based): chr8:99,209,588, G>T. VCF-style: chr8-99209588-G-T. GRCh37 (hg19) VCF-style: chr8-100221816-G-T.
Other names: c.2515+16531G>T (NM_017890.5, NM_017890.4); c.2516-4G>T (NM_015243.3).
Identifiers: ClinVar variation 4901186 (VCV004901186.2).

ClinVar aggregate classification (germline): Likely benign. Review status: criteria provided, multiple submitters, no conflicts (2 of 4 stars). 2 submissions from 2 submitters: Likely benign (2). Last evaluated 2024-11-04.

Conditions:
VPS13B-related disorder. Also called: VPS13B-related condition.

Submissions (2):

PreventionGenetics, part of Exact Sciences
Classification: Likely benign for VPS13B-related condition. Last evaluated: 2024-11-04. Review status: criteria provided, single submitter. Criteria: ACMG Guidelines, 2015. Collection method: clinical testing. Allele origin: germline.
Comment: This variant is classified as likely benign based on ACMG/AMP sequence variant interpretation guidelines (Richards et al. 2015 PMID: 25741868, with internal and published modifications).

Blueprint Genetics
Classification: Likely benign. Last evaluated: 2019-10-31. Review status: criteria provided, single submitter. Criteria: ACMG Guidelines, 2015. Collection method: clinical testing. Allele origin: germline.